The following is an entry in ClinVar:

NM_000038.6(APC):c.3560T>C (p.Ile1187Thr)

Gene: APC (APC regulator of Wnt signaling pathway; plus strand). Cytogenetic location: 5q22.2.
Variant type: single nucleotide variant.
Coding change: c.3560T>C on transcript NM_000038.6 (MANE Select); coding-DNA position 3560, T replaced by C.
Protein change: p.Ile1187Thr; replaces isoleucine 1187 with threonine.
Molecular consequence: missense variant.
Genome position (GRCh38, 1-based): chr5:112,839,154, T>C. VCF-style: chr5-112839154-T-C. GRCh37 (hg19) VCF-style: chr5-112174851-T-C.
Other names: p.I1187T:ATT>ACT; c.3560T>C, p.Ile1187Thr (NM_001127510.3, NM_001354895.2); c.3506T>C, p.Ile1169Thr (NM_001127511.3); c.3614T>C, p.Ile1205Thr (NM_001354896.2); c.3590T>C, p.Ile1197Thr (NM_001354897.2); c.3485T>C, p.Ile1162Thr (NM_001354898.2); c.3476T>C, p.Ile1159Thr (NM_001354899.2); c.3437T>C, p.Ile1146Thr (NM_001354900.2); and 6 more; short protein forms I1169T, I1187T, I1027T, I1205T, I1096T, I1128T, I1146T, I1159T.
Identifiers: ClinVar variation 181802 (VCV000181802.28), dbSNP rs730881246, ClinGen allele CA008515.

ClinVar aggregate classification (germline): Uncertain significance. Review status: criteria provided, multiple submitters, no conflicts (2 of 4 stars). 8 submissions from 8 submitters: Uncertain significance (8). Last evaluated 2025-12-10.

Conditions:
Classic or attenuated familial adenomatous polyposis. Identifiers: MedGen CN372698, MONDO:0021057.
APC-related disorder. Also called: APC-related condition.
Hereditary cancer-predisposing syndrome. Also called: Neoplastic Syndromes, Hereditary; Tumor predisposition; Hereditary neoplastic syndrome; Hereditary Cancer Syndrome. Identifiers: Orphanet 140162, MedGen C0027672, MeSH D009386, MONDO:0015356.
Familial adenomatous polyposis 1 (FAP1). Also called: FAMILIAL ADENOMATOUS POLYPOSIS 1, ATTENUATED; POLYPOSIS, ADENOMATOUS INTESTINAL. Identifiers: MedGen C2713442, MONDO:0021056, OMIM 175100. Disease mechanism: loss of function.

Allele frequency attached by ClinVar (database versions not stated): gnomAD exomes below 0.00001 and 0.00001; TOPMed 0.00001.
gnomAD v4.1: 9 of 1,614,140 alleles (0.00056%); highest among the groups gnomAD compares: Middle Eastern, 0.016%; no homozygotes.

Submissions (8):

Color Diagnostics, LLC DBA Color Health
Classification: Uncertain significance for Hereditary cancer-predisposing syndrome. Last evaluated: 2025-12-10. Review status: criteria provided, single submitter. Criteria: ACMG Guidelines, 2015. Collection method: clinical testing. Allele origin: germline.
Comment: This missense variant replaces isoleucine with threonine at codon 1187 of the APC protein. Computational prediction suggests that this variant may not impact protein structure and function. To our knowledge, functional studies have not been reported for this variant. This variant has not been reported in individuals affected with APC-related disorders in the literature. This variant has been identified in 9/1614140 chromosomes in the general population by the Genome Aggregation Database (gnomAD). The available evidence is insufficient to determine the role of this variant in disease conclusively. Therefore, this variant is classified as a Variant of Uncertain Significance.

PreventionGenetics, part of Exact Sciences
Classification: Uncertain significance for APC-related condition. Last evaluated: 2025-06-24. Review status: criteria provided, single submitter. Criteria: ACMG Guidelines, 2015. Collection method: clinical testing. Allele origin: germline.
Comment: The APC c.3560T>C variant is predicted to result in the amino acid substitution p.Ile1187Thr. This variant has been reported in the literature in one control individual from a biliary tract cancer case control study (Okawa et al. 2023. PubMed ID: 36243179). This variant is reported in 0.00088% of alleles in individuals of European (Non-Finnish) descent in gnomAD and is reported in ClinVar as a variant of uncertain significance. At this time, the clinical significance of this variant is uncertain due to the absence of conclusive functional and genetic evidence.

Ambry Genetics
Classification: Uncertain significance for Hereditary cancer-predisposing syndrome. Last evaluated: 2025-06-06. Review status: criteria provided, single submitter. Criteria: Ambry Variant Classification Scheme 2023. Collection method: clinical testing. Allele origin: germline.
Comment: The p.I1187T variant (also known as c.3560T>C), located in coding exon 15 of the APC gene, results from a T to C substitution at nucleotide position 3560. The isoleucine at codon 1187 is replaced by threonine, an amino acid with similar properties. This amino acid position is not well conserved in available vertebrate species. Missense alterations in APC are not a common cause of disease (Spier I et al. Genet Med. 2024 Feb;26(2):100992). In addition, in silico predictors for this gene do not accurately predict pathogenicity. Since supporting evidence is limited at this time, the clinical significance of this alteration remains unclear.

Center for Genomic Medicine, Rigshospitalet, Copenhagen University Hospital
Classification: Uncertain significance. Last evaluated: 2025-03-04. Review status: criteria provided, single submitter. Criteria: ACMG Guidelines, 2015. Collection method: clinical testing. Allele origin: germline.

Labcorp Genetics (formerly Invitae), Labcorp
Classification: Uncertain significance for Familial adenomatous polyposis 1. Last evaluated: 2025-01-20. Review status: criteria provided, single submitter. Criteria: Invitae Variant Classification Sherloc (09022015). Collection method: clinical testing. Allele origin: germline.
Comment: This sequence change replaces isoleucine, which is neutral and non-polar, with threonine, which is neutral and polar, at codon 1187 of the APC protein (p.Ile1187Thr). This variant is present in population databases (rs730881246, gnomAD 0.0009%). This variant has not been reported in the literature in individuals affected with APC-related conditions. ClinVar contains an entry for this variant (Variation ID: 181802). Invitae Evidence Modeling of protein sequence and biophysical properties (such as structural, functional, and spatial information, amino acid conservation, physicochemical variation, residue mobility, and thermodynamic stability) indicates that this missense variant is not expected to disrupt APC protein function with a negative predictive value of 95%. In summary, the available evidence is currently insufficient to determine the role of this variant in disease. Therefore, it has been classified as a Variant of Uncertain Significance.

Department of Pathology and Laboratory Medicine, Sinai Health System
Classification: Uncertain significance for classic or attenuated familial adenomatous polyposis. Last evaluated: 2024-11-11. Review status: criteria provided, single submitter. Criteria: ACMG Guidelines, 2015. Collection method: clinical testing. Allele origin: germline.

All of Us Research Program, National Institutes of Health
Classification: Uncertain significance for Classic or attenuated familial adenomatous polyposis. Last evaluated: 2023-12-01. Review status: criteria provided, single submitter. Criteria: ACMG Guidelines, 2015. Collection method: clinical testing. Allele origin: germline. Inheritance: Autosomal dominant inheritance. Observed: 1 variant allele, 1 heterozygote.
Comment: This missense variant replaces isoleucine with threonine at codon 1187 of the APC protein. Computational prediction is inconclusive regarding the impact of this variant on protein structure and function (internally defined REVEL score threshold 0.5 < inconclusive < 0.7, PMID: 27666373). To our knowledge, functional studies have not been reported for this variant. This variant has not been reported in individuals affected with hereditary cancer in the literature. This variant has been identified in 1/249956 chromosomes in the general population by the Genome Aggregation Database (gnomAD). The available evidence is insufficient to determine the role of this variant in disease conclusively. Therefore, this variant is classified as a Variant of Uncertain Significance.

This study involves interpretation of variants in research participants for the purpose of population health screening. Participant phenotype was not available at the time of variant classification. Additional details can be found in publication PMID: 35346344, PMCID: PMC8962531

GeneDx
Classification: Uncertain significance. Last evaluated: 2022-09-13. Review status: criteria provided, single submitter. Criteria: GeneDx Variant Classification Process June 2021. Collection method: clinical testing. Allele origin: germline. Affected: yes.
Comment: Not observed at significant frequency in large population cohorts (gnomAD); In silico analysis supports that this missense variant does not alter protein structure/function; Has not been previously published as pathogenic or benign to our knowledge